The following is an entry in ClinVar:

NM_173477.5(USH1G):c.*1053G>A

Gene: USH1G (USH1 protein network component sans; minus strand). Cytogenetic location: 17q25.1.
Variant type: single nucleotide variant.
Coding change: c.*1053G>A on transcript NM_173477.5 (MANE Select); 1053 bases downstream of the stop codon, G replaced by A.
Molecular consequence: 3 prime UTR variant.
Genome position (GRCh38, 1-based): chr17:74,917,020, C>T on the plus strand (G>A on the coding strand, the complement: USH1G is on the minus strand). VCF-style: chr17-74917020-C-T. GRCh37 (hg19) VCF-style: chr17-72913114-C-T.
Other names: c.*1053G>A (NM_001282489.3).
Identifiers: ClinVar variation 325041 (VCV000325041.5), dbSNP rs113583471, ClinGen allele CA10640493.

ClinVar aggregate classification (germline): Likely benign (1 of 4 stars; one submission).

Conditions:
Usher syndrome type 1G. Also called: USHER SYNDROME, TYPE IG, MILD. Identifiers: Orphanet 231169, Orphanet 886, MedGen C1847089, MONDO:0011748, OMIM 606943.

Allele frequency attached by ClinVar (database versions not stated): gnomAD 0.00690 and 0.00727; TOPMed 0.00768; 1000 Genomes Project 0.00938; 1000 Genomes Project 30x 0.01062.

Submission:

Illumina Laboratory Services, Illumina
Classification: Likely benign for Usher syndrome type 1G. Last evaluated: 2018-01-13. Review status: criteria provided, single submitter. Criteria: ICSL Variant Classification Criteria 13 December 2019. Collection method: clinical testing. Allele origin: germline.
Comment: This variant was observed in the ICSL laboratory as part of a predisposition screen in an ostensibly healthy population. It had not been previously curated by ICSL or reported in the Human Gene Mutation Database (HGMD: prior to June 1st, 2018), and was therefore a candidate for classification through an automated scoring system. Utilizing variant allele frequency, disease prevalence and penetrance estimates, and inheritance mode, an automated score was calculated to assess if this variant is too frequent to cause the disease. Based on the score and internal cut-off values, a variant classified as likely benign is not then subjected to further curation. The score for this variant resulted in a classification of likely benign for this disease.